The following is an entry in ClinVar:

ClinVar aggregate classification (germline): Uncertain significance (1 of 4 stars; one submission).

Allele frequency attached by ClinVar (database versions not stated): gnomAD 0.00003; gnomAD exomes 0.00005; TOPMed 0.00005; ExAC 0.00007; ESP Exome Variant Server 0.00015.
gnomAD v4.1: 85 of 1,614,032 alleles (0.0053%); highest among the groups gnomAD compares: Non-Finnish European, 0.0066%; no homozygotes.

Submission:

CeGaT Center for Human Genetics Tuebingen
Classification: Uncertain significance. Last evaluated: 2026-07-01. Review status: criteria provided, single submitter. Criteria: CeGaT Center For Human Genetics Tuebingen Variant Classification Criteria Version 2. Collection method: clinical testing. Allele origin: germline. Affected: yes. Observed: 2 variant alleles.
Comment: GCLC: PM2, BP4

NM_001498.4(GCLC):c.1484A>G (p.Asn495Ser)

Genes: GCLC-AS1 (GCLC antisense RNA 1; plus strand), GCLC (glutamate-cysteine ligase catalytic subunit; minus strand). Cytogenetic location: 6p12.1.
Variant type: single nucleotide variant.
Coding change: c.1484A>G on transcript NM_001498.4 (MANE Select); coding-DNA position 1484, A replaced by G.
Protein change: p.Asn495Ser; replaces asparagine 495 with serine.
Molecular consequence: missense variant.
Genome position (GRCh38, 1-based): chr6:53,500,344, T>C on the plus strand (A>G on the coding strand, the complement: GCLC is on the minus strand). VCF-style: chr6-53500344-T-C. GRCh37 (hg19) VCF-style: chr6-53365142-T-C.
Other names: c.1370A>G, p.Asn457Ser (NM_001197115.2); short protein forms N457S, N495S.
Identifiers: ClinVar variation 3250577 (VCV003250577.18), dbSNP rs146060256.